The following is an entry in ClinVar:

NM_006393.3(NEBL):c.962C>T (p.Ala321Val)

Gene: NEBL (nebulette; minus strand). Cytogenetic location: 10p12.31.
Variant type: single nucleotide variant.
Coding change: c.962C>T on transcript NM_006393.3 (MANE Select); coding-DNA position 962, C replaced by T.
Protein change: p.Ala321Val; replaces alanine 321 with valine.
Molecular consequence: missense variant. On other transcripts: intron variant (9).
Genome position (GRCh38, 1-based): chr10:20,852,591, G>A on the plus strand (C>T on the coding strand, the complement: NEBL is on the minus strand). VCF-style: chr10-20852591-G-A. GRCh37 (hg19) VCF-style: chr10-21141520-G-A.
Other names: c.250-39651C>T (NM_001377326.1, NM_001377327.1, NM_001377328.1); c.358-39651C>T (NM_213569.2, NM_001173484.2, NM_001377322.1); c.301-39651C>T (NM_001377324.1); c.292-39651C>T (NM_001377325.1); c.310-39651C>T (NM_001377323.1); short protein forms A321V.
Identifiers: ClinVar variation 1479981 (VCV001479981.8), dbSNP rs1842659148, ClinGen allele CA376100644.
Genomic context (GRCh38, chr10:20,852,591, plus strand): 5'-GGGCAAGTGTGTACCTGACTTTGGAGGACGGCATTGCCTTTATGGTGCAGATGTTCCACA[G>A]CATCTGCATCAAAATGATACATTCCTTTGTTTTCCTCAAAGAGCTTTTTATATTCTCGCT-3'
Protein context (NP_006384.1, residues 311-331): NKGMYHFDAD[Ala321Val]VEHLHHKGNA

ClinVar aggregate classification (germline): Uncertain significance (1 of 4 stars; one submission).

Conditions:
Primary dilated cardiomyopathy (DCM). Also called: Dilated Cardiomyopathy. Identifiers: Orphanet 217604, MedGen C0007193, MeSH D002311, MONDO:0005021, HP:0001644. Inheritance: Various modes of inheritance.

Submission:

Labcorp Genetics (formerly Invitae), Labcorp
Classification: Uncertain significance for Primary dilated cardiomyopathy. Last evaluated: 2021-03-24. Review status: criteria provided, single submitter. Criteria: Invitae Variant Classification Sherloc (09022015). Collection method: clinical testing. Allele origin: germline.
Comment: In summary, the available evidence is currently insufficient to determine the role of this variant in disease. Therefore, it has been classified as a Variant of Uncertain Significance. Algorithms developed to predict the effect of missense changes on protein structure and function are either unavailable or do not agree on the potential impact of this missense change (SIFT: "Tolerated"; PolyPhen-2: "Possibly Damaging"; Align-GVGD: "Class C0"). This variant has not been reported in the literature in individuals with NEBL-related conditions. This variant is not present in population databases (ExAC no frequency). This sequence change replaces alanine with valine at codon 321 of the NEBL protein (p.Ala321Val). The alanine residue is weakly conserved and there is a small physicochemical difference between alanine and valine.